The following is an entry in ClinVar:

ClinVar aggregate classification (germline): Uncertain significance (1 of 4 stars; one submission).

Conditions:
Microcephaly, epilepsy, and diabetes syndrome. Identifiers: Orphanet 306558, MedGen C3280240, MONDO:0100328.

Submission:

Labcorp Genetics (formerly Invitae), Labcorp
Classification: Uncertain significance for Microcephaly, epilepsy, and diabetes syndrome. Last evaluated: 2019-08-18. Review status: criteria provided, single submitter. Criteria: Invitae Variant Classification Sherloc (09022015). Collection method: clinical testing. Allele origin: germline.
Comment: This sequence change replaces methionine with threonine at codon 63 of the IER3IP1 protein (p.Met63Thr). The methionine residue is highly conserved and there is a moderate physicochemical difference between methionine and threonine. This variant is not present in population databases (ExAC no frequency). This variant has not been reported in the literature in individuals with IER3IP1-related conditions. Algorithms developed to predict the effect of missense changes on protein structure and function are either unavailable or do not agree on the potential impact of this missense change (SIFT: "Deleterious"; PolyPhen-2: "Probably Damaging"; Align-GVGD: "Class C0"). In summary, the available evidence is currently insufficient to determine the role of this variant in disease. Therefore, it has been classified as a Variant of Uncertain Significance.

NM_016097.5(IER3IP1):c.188T>C (p.Met63Thr)

Gene: IER3IP1 (immediate early response 3 interacting protein 1; minus strand). Cytogenetic location: 18q21.1.
Variant type: single nucleotide variant.
Coding change: c.188T>C on transcript NM_016097.5 (MANE Select); coding-DNA position 188, T replaced by C.
Protein change: p.Met63Thr; replaces methionine 63 with threonine.
Molecular consequence: missense variant.
Genome position (GRCh38, 1-based): chr18:47,157,441, A>G on the plus strand (T>C on the coding strand, the complement: IER3IP1 is on the minus strand). VCF-style: chr18-47157441-A-G. GRCh37 (hg19) VCF-style: chr18-44683812-A-G.
Other names: short protein forms M63T.
Identifiers: ClinVar variation 948522 (VCV000948522.10), dbSNP rs2063964837, ClinGen allele CA402489979.
Genomic context (GRCh38, chr18:47,157,441, plus strand): 5'-CTACTTAAACCACAACATTAAAACTTAAGAATGCTCTATTAGCTTTTCTTCTTACCTCTC[A>G]TCACGGTTCTTACAGATCGAATAAGGTTCATTAGCTGTGATTTAATTCCCGGCTCTTCTC-3'
Protein context (NP_057181.1, residues 53-73): MNLIRSVRTV[Met63Thr]RVPLIIVNSI